The following is an entry in ClinVar:

ClinVar aggregate classification (germline): Pathogenic (1 of 4 stars; one submission).

Submission:

Genetic Services Laboratory, University of Chicago
Classification: Pathogenic. Last evaluated: 2018-09-17. Review status: criteria provided, single submitter. Criteria: ACMG Guidelines, 2015. Collection method: clinical testing. Allele origin: germline. Affected: yes.
Comment: DNA sequence analysis of the KIF11 gene demonstrated a single base pair duplication in exon 16, c.2018dup. This sequence change results in an amino acid frameshift and creates a premature stop codon 10 amino acids downstream of the mutation, p.Glu674Glyfs*11. This sequence change is predicted to result in an abnormal transcript, which may be degraded, or may lead to the production of a truncated KIF11 protein with potentially abnormal function

NM_004523.4(KIF11):c.2018dup (p.Glu674fs)

Gene: KIF11 (kinesin family member 11; plus strand). Cytogenetic location: 10q23.33.
Variant type: Duplication.
Coding change: c.2018dup on transcript NM_004523.4 (MANE Select); coding-DNA position 2018, one base duplicated (A; older notation c.2018dupA).
Protein change: p.Glu674fs; shifts the reading frame from glutamic acid 674.
Molecular consequence: frameshift variant.
Genome position (GRCh38, 1-based): chr10:92,637,403, A duplicated; the last of 7 consecutive A bases (chr10:92,637,397-92,637,403); duplicating any one gives the same sequence. VCF-style (leftmost placement, unchanged base first): chr10-92637396-C-CA. GRCh37 (hg19) VCF-style: chr10-94397153-C-CA.
Other names: short protein forms E674fs.
Identifiers: ClinVar variation 1338285 (VCV001338285.4), dbSNP rs1589604288, ClinGen allele CA2573053379.
Genomic context (GRCh38, chr10:92,637,396, plus strand): 5'-TCAAAATTGATGTGTTGTTTAAGAAGGAAACTCATTTTTGTTTCTTCAAAGATAGAAGAT[C>CA]AAAAAAAGGAACTAGATGGCTTTCTCAGTATACTGTGTAACAATCTACATGAACTACAAG-3'